The following is an entry in ClinVar:

ClinVar aggregate classification (germline): Pathogenic (1 of 4 stars; one submission).

Conditions:
Familial adenomatous polyposis 1 (FAP1). Also called: POLYPOSIS, ADENOMATOUS INTESTINAL; FAMILIAL ADENOMATOUS POLYPOSIS 1, ATTENUATED. Identifiers: MedGen C2713442, MONDO:0021056, OMIM 175100. Disease mechanism: loss of function.

Submission:

Labcorp Genetics (formerly Invitae), Labcorp
Classification: Pathogenic for Familial adenomatous polyposis 1. Last evaluated: 2022-03-05. Review status: criteria provided, single submitter. Criteria: Invitae Variant Classification Sherloc (09022015). Collection method: clinical testing. Allele origin: germline.
Comment: For these reasons, this variant has been classified as Pathogenic. This variant disrupts a region of the APC protein in which other variant(s) (p.Tyr2645Lysfs*14) have been determined to be pathogenic (PMID: 1316610, 8381579, 9824584, 22135120, 27081525; Invitae). This suggests that this is a clinically significant region of the protein, and that variants that disrupt it are likely to be disease-causing. This variant is expected to disrupt the EB1 and HDLG binding sites, which mediate interactions with the cytoskeleton (PMID: 15311282, 17293347). While functional studies have not been performed to directly test the effect on APC protein function, this suggests that disruption of the C-terminal portion of the protein is functionally important. This variant has not been reported in the literature in individuals affected with APC-related conditions. This variant is not present in population databases (gnomAD no frequency). This sequence change creates a premature translational stop signal (p.His1349Glnfs*70) in the APC gene. While this is not anticipated to result in nonsense mediated decay, it is expected to disrupt the last 1495 amino acid(s) of the APC protein.

Literature cited by the submitters: PubMed 1316610; PubMed 8381579; PubMed 9824584; PubMed 22135120; PubMed 27081525; PubMed 15311282; PubMed 17293347.

NM_000038.6(APC):c.4047delinsAAGTCCTGTTGA (p.His1349fs)

Gene: APC (APC regulator of Wnt signaling pathway; plus strand). Cytogenetic location: 5q22.2.
Variant type: Indel.
Coding change: c.4047delinsAAGTCCTGTTGA on transcript NM_000038.6 (MANE Select); coding-DNA position 4047, C replaced by AAGTCCTGTTGA.
Protein change: p.His1349fs; shifts the reading frame from histidine 1349.
Molecular consequence: frameshift variant.
Genome position (GRCh38, 1-based): chr5:112,839,641, C replaced by AAGTCCTGTTGA. VCF-style: chr5-112839641-C-AAGTCCTGTTGA. GRCh37 (hg19) VCF-style: chr5-112175338-C-AAGTCCTGTTGA.
Other names: c.4047delinsAAGTCCTGTTGA, p.His1349fs (NM_001127510.3, NM_001354895.2); c.3993delinsAAGTCCTGTTGA, p.His1331fs (NM_001127511.3); c.4101delinsAAGTCCTGTTGA, p.His1367fs (NM_001354896.2); c.4077delinsAAGTCCTGTTGA, p.His1359fs (NM_001354897.2); c.3972delinsAAGTCCTGTTGA, p.His1324fs (NM_001354898.2); c.3963delinsAAGTCCTGTTGA, p.His1321fs (NM_001354899.2); c.3924delinsAAGTCCTGTTGA, p.His1308fs (NM_001354900.2); c.3870delinsAAGTCCTGTTGA, p.His1290fs (NM_001354901.2); and 16 more; short protein forms H1321fs, H1331fs, H1066fs, H1223fs, H1349fs, H1189fs, H1248fs, H1258fs.
Identifiers: ClinVar variation 2107204 (VCV002107204.4), dbSNP rs2533544380, ClinGen allele CA2580072367.